The following is an entry in ClinVar:

NM_018136.5(ASPM):c.4560del (p.Tyr1521fs)

Gene: ASPM (assembly factor for spindle microtubules; minus strand). Cytogenetic location: 1q31.3.
Variant type: Deletion.
Coding change: c.4560del on transcript NM_018136.5 (MANE Select); coding-DNA position 4560, one base deleted (C; older notation c.4560delC).
Protein change: p.Tyr1521fs; shifts the reading frame from tyrosine 1521.
Molecular consequence: frameshift variant. On other transcripts: intron variant (1).
Genome position (GRCh38, 1-based): chr1:197,104,691, G deleted on the plus strand (C on the coding strand, the reverse complement: ASPM is on the minus strand). VCF-style (leftmost placement, unchanged base first): chr1-197104690-AG-A. GRCh37 (hg19) VCF-style: chr1-197073820-AG-A.
Other names: c.4066-8527del (NM_001206846.2); short protein forms Y1521fs.
Identifiers: ClinVar variation 4781499 (VCV004781499.1), dbSNP rs1402437185.

ClinVar aggregate classification (germline): Pathogenic (1 of 4 stars; one submission).

Allele frequency attached by ClinVar (database versions not stated): gnomAD 0.00001; TOPMed 0.00001; gnomAD exomes 0.00001 and below 0.00001.

Submission:

Labcorp Genetics (formerly Invitae), Labcorp
Classification: Pathogenic. Last evaluated: 2025-04-01. Review status: criteria provided, single submitter. Criteria: Invitae Variant Classification Sherloc (09022015). Collection method: clinical testing. Allele origin: germline.
Comment: This sequence change creates a premature translational stop signal (p.Tyr1521Thrfs*5) in the ASPM gene. It is expected to result in an absent or disrupted protein product. Loss-of-function variants in ASPM are known to be pathogenic (PMID: 19028728, 23611254). This variant is present in population databases (no rsID available, gnomAD 0.0009%). This variant has not been reported in the literature in individuals affected with ASPM-related conditions. ClinVar contains an entry for this variant (Variation ID: 631586). For these reasons, this variant has been classified as Pathogenic.

Literature cited by the submitters: PubMed 19028728; PubMed 23611254.